The following is an entry in ClinVar:

NM_001916.5(CYC1):c.450G>A (p.Ala150=)

Genes: CYC1 (cytochrome c1; plus strand), LOC130001365 (ATAC-STARR-seq lymphoblastoid active region 28088; plus strand). Cytogenetic location: 8q24.3.
Variant type: single nucleotide variant.
Coding change: c.450G>A on transcript NM_001916.5 (MANE Select); coding-DNA position 450, G replaced by A.
Protein change: p.Ala150=; no amino-acid change (alanine 150 retained).
Molecular consequence: synonymous variant.
Genome position (GRCh38, 1-based): chr8:144,096,247, G>A. VCF-style: chr8-144096247-G-A. GRCh37 (hg19) VCF-style: chr8-145151150-G-A.
Identifiers: ClinVar variation 515732 (VCV000515732.13), dbSNP rs780421772, ClinGen allele CA4933385.
Genomic context (GRCh38, chr8:144,096,247, plus strand): 5'-GGCCTACCGCCACCTGGTGGGCGTGTGCTACACGGAGGATGAAGCTAAGGAGCTGGCTGC[G>A]GAGGTGTGGGGTCTGGGGATGCCTGGGACCCAGGGCTCAGGGCTCCCACTGTTGAGATGG-3'
Protein context (NP_001907.3, residues 140-160): YTEDEAKELA[Ala150=]EVEVQDGPNE

ClinVar aggregate classification (germline): Likely benign. Review status: criteria provided, multiple submitters, no conflicts (2 of 4 stars). 3 submissions from 3 submitters: Likely benign (2). 1 of the submissions does not count toward it. Last evaluated 2025-11-10.

Conditions:
CYC1-related disorder. Also called: CYC1-related condition.

Allele frequency attached by ClinVar (database versions not stated): ExAC 0.00007; gnomAD 0.00007 and 0.00009; gnomAD exomes 0.00011 and 0.00012; TOPMed 0.00011.
gnomAD v4.1: 185 of 1,613,820 alleles (0.011%); highest among the groups gnomAD compares: Middle Eastern, 0.066%; no homozygotes.

Submissions (3):

Labcorp Genetics (formerly Invitae), Labcorp
Classification: Likely benign. Last evaluated: 2025-11-10. Review status: criteria provided, single submitter. Criteria: Invitae Variant Classification Sherloc (09022015). Collection method: clinical testing. Allele origin: germline.

GeneDx
Classification: Likely benign. Last evaluated: 2019-07-29. Review status: criteria provided, single submitter. Criteria: GeneDx Variant Classification Process June 2021. Collection method: clinical testing. Allele origin: germline. Affected: yes.

PreventionGenetics, part of Exact Sciences
Classification: Likely benign for CYC1-related condition. Last evaluated: 2019-06-05. Review status: no assertion criteria provided. Collection method: clinical testing. Allele origin: germline. Not counted in ClinVar's aggregate classification.
Comment: This variant is classified as likely benign based on ACMG/AMP sequence variant interpretation guidelines (Richards et al. 2015 PMID: 25741868, with internal and published modifications).